The following is an entry in ClinVar:

ClinVar aggregate classification (germline): Likely pathogenic (1 of 4 stars; one submission).

Submission:

Labcorp Genetics (formerly Invitae), Labcorp
Classification: Likely pathogenic. Last evaluated: 2023-09-12. Review status: criteria provided, single submitter. Criteria: Invitae Variant Classification Sherloc (09022015). Collection method: clinical testing. Allele origin: germline.
Comment: In summary, the currently available evidence indicates that the variant is pathogenic, but additional data are needed to prove that conclusively. Therefore, this variant has been classified as Likely Pathogenic. This variant disrupts the p.Gly307 amino acid residue in FOXRED1. Other variant(s) that disrupt this residue have been determined to be pathogenic (PMID: 31434271). This suggests that this residue is clinically significant, and that variants that disrupt this residue are likely to be disease-causing. Advanced modeling of protein sequence and biophysical properties (such as structural, functional, and spatial information, amino acid conservation, physicochemical variation, residue mobility, and thermodynamic stability) performed at Invitae indicates that this missense variant is expected to disrupt FOXRED1 protein function. This variant has not been reported in the literature in individuals affected with FOXRED1-related conditions. This variant is not present in population databases (gnomAD no frequency). This sequence change replaces glycine, which is neutral and non-polar, with arginine, which is basic and polar, at codon 307 of the FOXRED1 protein (p.Gly307Arg).

Literature cited by the submitters: PubMed 31434271.

NM_017547.4(FOXRED1):c.919G>A (p.Gly307Arg)

Gene: FOXRED1 (FAD dependent oxidoreductase domain containing 1; plus strand). Cytogenetic location: 11q24.2.
Variant type: single nucleotide variant.
Coding change: c.919G>A on transcript NM_017547.4 (MANE Select); coding-DNA position 919, G replaced by A.
Protein change: p.Gly307Arg; replaces glycine 307 with arginine.
Molecular consequence: missense variant. On other transcripts: non-coding transcript variant (2).
Genome position (GRCh38, 1-based): chr11:126,276,167, G>A. VCF-style: chr11-126276167-G-A. GRCh37 (hg19) VCF-style: chr11-126146062-G-A.
Other names: c.949G>A, p.Gly317Arg (NM_001425160.1); c.919G>A, p.Gly307Arg (NM_001425161.1, NM_001425163.1, NM_001425165.1 and 1 more transcripts); c.916G>A, p.Gly306Arg (NM_001425164.1); c.817G>A, p.Gly273Arg (NM_001425167.1); c.409G>A, p.Gly137Arg (NM_001425168.1, NM_001425169.1, NM_001425170.1); c.358G>A, p.Gly120Arg (NM_001425171.1, NM_001425172.1); c.286G>A, p.Gly96Arg (NM_001425173.1, NM_001425174.1, NM_001425175.1); short protein forms G120R, G306R, G317R, G273R, G307R, G137R, G96R.
Identifiers: ClinVar variation 2759882 (VCV002759882.3), dbSNP rs2497194252, ClinGen allele CA383230699.